The following is an entry in ClinVar:

NM_025114.4(CEP290):c.3030A>C (p.Ile1010=)

Gene: CEP290 (centrosomal protein 290; minus strand). Cytogenetic location: 12q21.32.
Variant type: single nucleotide variant.
Coding change: c.3030A>C on transcript NM_025114.4 (MANE Select); coding-DNA position 3030, A replaced by C.
Protein change: p.Ile1010=; no amino-acid change (isoleucine 1010 retained).
Molecular consequence: synonymous variant.
Genome position (GRCh38, 1-based): chr12:88,096,961, T>G on the plus strand (A>C on the coding strand, the complement: CEP290 is on the minus strand). VCF-style: chr12-88096961-T-G. GRCh37 (hg19) VCF-style: chr12-88490738-T-G.
Other names: c.3030A>C (NM_025114.3).
Identifiers: ClinVar variation 1136311 (VCV001136311.10), dbSNP rs1280566129, ClinGen allele CA481077388.

ClinVar aggregate classification (germline): Likely benign. Review status: criteria provided, multiple submitters, no conflicts (2 of 4 stars). 2 submissions from 2 submitters: Likely benign (2). Last evaluated 2025-10-02.

Conditions:
CEP290-related disorder. Also called: CEP290-related condition; CEP290-related disorders. Identifiers: MedGen CN239314.
Meckel-Gruber syndrome. Also called: DYSENCEPHALIA SPLANCHNOCYSTICA; Dysencephalia splachnocystica; GRUBER SYNDROME. Identifiers: Orphanet 564, MedGen C0265215, MONDO:0018921.
Joubert syndrome. Also called: Familial aplasia of the vermis; JOUBERT-BOLTSHAUSER SYNDROME. Identifiers: Orphanet 475, MedGen C5979921, MONDO:0018772.
Nephronophthisis. Also called: Juvenile Nephronophthisis. Identifiers: Orphanet 655, MedGen C0687120, MONDO:0019005, HP:0000090.

Allele frequency attached by ClinVar (database versions not stated): gnomAD exomes below 0.00001 and 0.00001.
gnomAD v4.1: 7 of 1,574,934 alleles (0.00044%); highest among the groups gnomAD compares: Non-Finnish European, 0.00052%; no homozygotes.

Submissions (2):

PreventionGenetics, part of Exact Sciences
Classification: Likely benign for CEP290-related condition. Last evaluated: 2025-10-02. Review status: criteria provided, single submitter. Criteria: ACMG Guidelines, 2015. Collection method: clinical testing. Allele origin: germline.
Comment: This variant is classified as likely benign based on ACMG/AMP sequence variant interpretation guidelines (Richards et al. 2015 PMID: 25741868, with internal and published modifications).

Labcorp Genetics (formerly Invitae), Labcorp
Classification: Likely benign for Joubert syndrome; Meckel-Gruber syndrome; Nephronophthisis. Last evaluated: 2023-05-20. Review status: criteria provided, single submitter. Criteria: Invitae Variant Classification Sherloc (09022015). Collection method: clinical testing. Allele origin: germline.